The following is an entry in ClinVar:

ClinVar aggregate classification (germline): Uncertain significance (1 of 4 stars; one submission).

Conditions:
Developmental and epileptic encephalopathy, 8 (DEE8). Also called: HYPEREKPLEXIA AND EPILEPSY. Identifiers: Orphanet 163985, Orphanet 2076, MedGen C1845102, MONDO:0010375, OMIM 300607.

Submission:

Labcorp Genetics (formerly Invitae), Labcorp
Classification: Uncertain significance for Developmental and epileptic encephalopathy, 8. Last evaluated: 2021-12-25. Review status: criteria provided, single submitter. Criteria: Invitae Variant Classification Sherloc (09022015). Collection method: clinical testing. Allele origin: germline.
Comment: This sequence change replaces phenylalanine, which is neutral and non-polar, with leucine, which is neutral and non-polar, at codon 435 of the ARHGEF9 protein (p.Phe435Leu). This variant is not present in population databases (gnomAD no frequency). This variant has not been reported in the literature in individuals affected with ARHGEF9-related conditions. Algorithms developed to predict the effect of missense changes on protein structure and function (SIFT, PolyPhen-2, Align-GVGD) all suggest that this variant is likely to be tolerated. Algorithms developed to predict the effect of sequence changes on RNA splicing suggest that this variant may create or strengthen a splice site. In summary, the available evidence is currently insufficient to determine the role of this variant in disease. Therefore, it has been classified as a Variant of Uncertain Significance.

NM_001353921.2(ARHGEF9):c.1326T>A (p.Phe442Leu)

Gene: ARHGEF9 (Cdc42 guanine nucleotide exchange factor 9; minus strand). Cytogenetic location: Xq11.1.
Variant type: single nucleotide variant.
Coding change: c.1326T>A on transcript NM_001353921.2 (MANE Select); coding-DNA position 1326, T replaced by A.
Protein change: p.Phe442Leu; replaces phenylalanine 442 with leucine.
Molecular consequence: missense variant. On other transcripts: nonsense (2).
Genome position (GRCh38, 1-based): chrX:63,644,044, A>T on the plus strand (T>A on the coding strand, the complement: ARHGEF9 is on the minus strand). VCF-style: chrX-63644044-A-T. GRCh37 (hg19) VCF-style: chrX-62863924-A-T.
Other names: c.1146T>A, p.Phe382Leu (NM_001173479.2); c.999T>A, p.Phe333Leu (NM_001173480.2, NM_001369042.1); c.1242T>A, p.Phe414Leu (NM_001330495.2, NM_001369033.1, NM_001369034.1 and 4 more transcripts); c.1194T>A, p.Phe398Leu (NM_001353922.2); c.1344T>A, p.Phe448Leu (NM_001353923.1); c.1125T>A, p.Phe375Leu (NM_001353924.2, NM_001353926.2, NM_001369039.1 and 1 more transcripts); c.1110T>A, p.Phe370Leu (NM_001353927.2, NM_001369041.1); c.1173T>A, p.Phe391Leu (NM_001353928.2); and 3 more; short protein forms F391L, F448L, F253L, F333L, F370L, F398L, F435L, F375L.
Identifiers: ClinVar variation 1448297 (VCV001448297.6), dbSNP rs2147143845, ClinGen allele CA413402781.